The following is an entry in ClinVar:

NM_000719.7(CACNA1C):c.3419T>A (p.Val1140Glu)

Gene: CACNA1C (calcium voltage-gated channel subunit alpha1 C; plus strand). Cytogenetic location: 12p13.33.
Variant type: single nucleotide variant.
Coding change: c.3419T>A on transcript NM_000719.7 (MANE Select); coding-DNA position 3419, T replaced by A.
Protein change: p.Val1140Glu; replaces valine 1140 with glutamic acid.
Molecular consequence: missense variant.
Genome position (GRCh38, 1-based): chr12:2,608,573, T>A. VCF-style: chr12-2608573-T-A. GRCh37 (hg19) VCF-style: chr12-2717739-T-A.
Other names: c.3479T>A, p.Val1160Glu (NM_001129827.2, NM_001129832.2, NM_199460.4); c.3419T>A, p.Val1140Glu (NM_001129829.2, NM_001129830.3, NM_001129831.2 and 15 more transcripts); c.3410T>A, p.Val1137Glu (NM_001129844.2); short protein forms V1160E, V1137E, V1140E.
Identifiers: ClinVar variation 3717133 (VCV003717133.2).

ClinVar aggregate classification (germline): Uncertain significance (1 of 4 stars; one submission).

Conditions:
Long QT syndrome (LQTS). Identifiers: MedGen C0023976, MeSH D008133, MONDO:0002442. Disease mechanism: loss of function. Inheritance: Various modes of inheritance.

gnomAD v4.1: 1 of 1,613,822 alleles (0.000062%); highest among the groups gnomAD compares: Non-Finnish European, 0.000085%; no homozygotes.

Submission:

Labcorp Genetics (formerly Invitae), Labcorp
Classification: Uncertain significance for Long QT syndrome. Last evaluated: 2024-08-31. Review status: criteria provided, single submitter. Criteria: Invitae Variant Classification Sherloc (09022015). Collection method: clinical testing. Allele origin: germline.
Comment: This sequence change replaces valine, which is neutral and non-polar, with glutamic acid, which is acidic and polar, at codon 1140 of the CACNA1C protein (p.Val1140Glu). This variant is not present in population databases (gnomAD no frequency). This variant has not been reported in the literature in individuals affected with CACNA1C-related conditions. Invitae Evidence Modeling of protein sequence and biophysical properties (such as structural, functional, and spatial information, amino acid conservation, physicochemical variation, residue mobility, and thermodynamic stability) indicates that this missense variant is expected to disrupt CACNA1C protein function with a positive predictive value of 95%. In summary, the available evidence is currently insufficient to determine the role of this variant in disease. Therefore, it has been classified as a Variant of Uncertain Significance.